The following is an entry in ClinVar:

ClinVar aggregate classification (germline): Uncertain significance (1 of 4 stars; one submission).

Conditions:
Meckel-Gruber syndrome. Also called: Dysencephalia splachnocystica; DYSENCEPHALIA SPLANCHNOCYSTICA; GRUBER SYNDROME. Identifiers: Orphanet 564, MedGen C0265215, MONDO:0018921.
Joubert syndrome. Also called: JOUBERT-BOLTSHAUSER SYNDROME; Familial aplasia of the vermis. Identifiers: Orphanet 475, MedGen C5979921, MONDO:0018772.

Allele frequency attached by ClinVar (database versions not stated): gnomAD exomes below 0.00001; ExAC 0.00001.
gnomAD v4.1: 38 of 1,586,856 alleles (0.0024%); highest among the groups gnomAD compares: Non-Finnish European, 0.0031%; no homozygotes.

Submission:

Labcorp Genetics (formerly Invitae), Labcorp
Classification: Uncertain significance for Joubert syndrome; Meckel-Gruber syndrome. Last evaluated: 2021-08-28. Review status: criteria provided, single submitter. Criteria: Invitae Variant Classification Sherloc (09022015). Collection method: clinical testing. Allele origin: germline.
Comment: This sequence change replaces glutamine with arginine at codon 1356 of the CC2D2A protein (p.Gln1356Arg). The glutamine residue is highly conserved and there is a small physicochemical difference between glutamine and arginine. This variant is present in population databases (rs771460583, ExAC 0.002%). This variant has not been reported in the literature in individuals affected with CC2D2A-related conditions. Algorithms developed to predict the effect of missense changes on protein structure and function are either unavailable or do not agree on the potential impact of this missense change (SIFT: "Deleterious"; PolyPhen-2: "Benign"; Align-GVGD: "Class C0"). In summary, the available evidence is currently insufficient to determine the role of this variant in disease. Therefore, it has been classified as a Variant of Uncertain Significance.

NM_001378615.1(CC2D2A):c.4067A>G (p.Gln1356Arg)

Genes: CC2D2A (coiled-coil and C2 domain containing 2A; plus strand), FBXL5 (F-box and leucine rich repeat protein 5; minus strand). Cytogenetic location: 4p15.32.
Variant type: single nucleotide variant.
Coding change: c.4067A>G on transcript NM_001378615.1 (MANE Select); coding-DNA position 4067, A replaced by G.
Protein change: p.Gln1356Arg; replaces glutamine 1356 with arginine.
Molecular consequence: missense variant.
Genome position (GRCh38, 1-based): chr4:15,587,817, A>G. VCF-style: chr4-15587817-A-G. GRCh37 (hg19) VCF-style: chr4-15589440-A-G.
Other names: c.4067A>G, p.Gln1356Arg (NM_001080522.2); c.3920A>G, p.Gln1307Arg (NM_001378617.1); short protein forms Q1307R, Q1356R.
Identifiers: ClinVar variation 843895 (VCV000843895.9), dbSNP rs771460583, ClinGen allele CA2864317.